The following is an entry in ClinVar:

ClinVar aggregate classification (germline): Likely pathogenic (1 of 4 stars; one submission).

Conditions:
Hereditary spastic paraplegia 7 (SPG7). Also called: Spastic paraplegia 7; Hereditary spastic paraplegia Paraplegin type; SPG7-related neurologic disorder; Autosomal recessive spastic paraplegia type 7; SPASTIC PARAPLEGIA 7, AUTOSOMAL RECESSIVE, WITH OR WITHOUT CEREBELLAR ATAXIA. Identifiers: Orphanet 99013, MedGen C1846564, MONDO:0011803, OMIM 607259.

Submission:

Labcorp Genetics (formerly Invitae), Labcorp
Classification: Likely pathogenic for Hereditary spastic paraplegia 7. Last evaluated: 2022-07-18. Review status: criteria provided, single submitter. Criteria: Invitae Variant Classification Sherloc (09022015). Collection method: clinical testing. Allele origin: germline.
Comment: In summary, the currently available evidence indicates that the variant is pathogenic, but additional data are needed to prove that conclusively. Therefore, this variant has been classified as Likely Pathogenic. Advanced modeling of protein sequence and biophysical properties (such as structural, functional, and spatial information, amino acid conservation, physicochemical variation, residue mobility, and thermodynamic stability) performed at Invitae indicates that this missense variant is expected to disrupt SPG7 protein function. ClinVar contains an entry for this variant (Variation ID: 411681). This missense change has been observed in individual(s) with clinical features of hereditary spastic paraplegia (Invitae). In at least one individual the data is consistent with being in trans (on the opposite chromosome) from a pathogenic variant. This variant is not present in population databases (gnomAD no frequency). This sequence change replaces valine, which is neutral and non-polar, with glutamic acid, which is acidic and polar, at codon 311 of the SPG7 protein (p.Val311Glu).

NM_003119.4(SPG7):c.932T>A (p.Val311Glu)

Gene: SPG7 (SPG7 matrix AAA peptidase subunit, paraplegin; plus strand). Cytogenetic location: 16q24.3.
Variant type: single nucleotide variant.
Coding change: c.932T>A on transcript NM_003119.4 (MANE Select); coding-DNA position 932, T replaced by A.
Protein change: p.Val311Glu; replaces valine 311 with glutamic acid.
Molecular consequence: missense variant.
Genome position (GRCh38, 1-based): chr16:89,530,753, T>A. VCF-style: chr16-89530753-T-A. GRCh37 (hg19) VCF-style: chr16-89597161-T-A.
Other names: c.932T>A, p.Val311Glu (NM_001363850.1, NM_199367.3); short protein forms V311E.
Identifiers: ClinVar variation 411681 (VCV000411681.8), dbSNP rs1060503429, ClinGen allele CA16615322.